The following is an entry in ClinVar:

NM_014244.5(ADAMTS2):c.2503_2510del (p.Tyr834_Met835insTer)

Gene: ADAMTS2 (ADAM metallopeptidase with thrombospondin type 1 motif 2; minus strand). Cytogenetic location: 5q35.3.
Variant type: Deletion.
Coding change: c.2503_2510del on transcript NM_014244.5 (MANE Select); coding-DNA positions 2503 to 2510, 8 bases deleted (ATGATCCA; older notation c.2503_2510delATGATCCA).
Protein change: p.Tyr834_Met835insTer.
Molecular consequence: nonsense.
Genome position (GRCh38, 1-based): chr5:179,128,066-179,128,073, TGGATCAT deleted on the plus strand (ATGATCCA on the coding strand, the reverse complement: ADAMTS2 is on the minus strand). VCF-style (leftmost placement, unchanged base first): chr5-179128065-ATGGATCAT-A. GRCh37 (hg19) VCF-style: chr5-178555066-ATGGATCAT-A.
Identifiers: ClinVar variation 3592179 (VCV003592179.2).

ClinVar aggregate classification (germline): Pathogenic/Likely pathogenic. Review status: criteria provided, multiple submitters, no conflicts (2 of 4 stars). 2 submissions from 2 submitters: Pathogenic (1); Likely pathogenic (1). Last evaluated 2025-12-26.

Conditions:
Ehlers-Danlos syndrome, dermatosparaxis type. Also called: EDS VIIC; Ehlers-Danlos syndrome, type VII, autosomal recessive; Dermatosparaxis. Identifiers: Orphanet 1901, MedGen C2700425, MONDO:0009161, OMIM 225410.

Submissions (2):

Labcorp Genetics (formerly Invitae), Labcorp
Classification: Pathogenic for Ehlers-Danlos syndrome, dermatosparaxis type. Last evaluated: 2025-12-26. Review status: criteria provided, single submitter. Criteria: Invitae Variant Classification Sherloc (09022015). Collection method: clinical testing. Allele origin: germline.
Comment: This sequence change creates a premature translational stop signal (p.Met835*) in the ADAMTS2 gene. It is expected to result in an absent or disrupted protein product. Loss-of-function variants in ADAMTS2 are known to be pathogenic (PMID: 10417273). This variant is not present in population databases (gnomAD no frequency). This variant has not been reported in the literature in individuals affected with ADAMTS2-related conditions. ClinVar contains an entry for this variant (Variation ID: 3592179). Algorithms developed to predict the effect of sequence changes on RNA splicing suggest that this variant may disrupt the consensus splice site. For these reasons, this variant has been classified as Pathogenic.

Fulgent Genetics
Classification: Likely pathogenic for Ehlers-Danlos syndrome, dermatosparaxis type. Last evaluated: 2024-02-13. Review status: criteria provided, single submitter. Criteria: ACMG Guidelines, 2015. Collection method: clinical testing. Allele origin: germline.

Literature cited by the submitters: PubMed 10417273 (cited by Labcorp Genetics (formerly Invitae), Labcorp).